The following is an entry in ClinVar:

ClinVar aggregate classification (germline): Uncertain significance (1 of 4 stars; one submission).

gnomAD v4.1: 18 of 1,614,130 alleles (0.0011%); highest among the groups gnomAD compares: Admixed American, 0.0017%; no homozygotes.

Submission:

Labcorp Genetics (formerly Invitae), Labcorp
Classification: Uncertain significance. Last evaluated: 2025-07-09. Review status: criteria provided, single submitter. Criteria: Invitae Variant Classification Sherloc (09022015). Collection method: clinical testing. Allele origin: germline.
Comment: This sequence change replaces alanine, which is neutral and non-polar, with proline, which is neutral and non-polar, at codon 403 of the ALPK1 protein (p.Ala403Pro). This variant is present in population databases (no rsID available, gnomAD 0.003%). This variant has not been reported in the literature in individuals affected with ALPK1-related conditions. Invitae Evidence Modeling of protein sequence and biophysical properties (such as structural, functional, and spatial information, amino acid conservation, physicochemical variation, residue mobility, and thermodynamic stability) has been performed for this missense variant. However, the output from this modeling did not meet the statistical confidence thresholds required to predict the impact of this variant on ALPK1 protein function. In summary, the available evidence is currently insufficient to determine the role of this variant in disease. Therefore, it has been classified as a Variant of Uncertain Significance.

NM_025144.4(ALPK1):c.1207G>C (p.Ala403Pro)

Gene: ALPK1 (alpha kinase 1; plus strand). Cytogenetic location: 4q25.
Variant type: single nucleotide variant.
Coding change: c.1207G>C on transcript NM_025144.4 (MANE Select); coding-DNA position 1207, G replaced by C.
Protein change: p.Ala403Pro; replaces alanine 403 with proline.
Molecular consequence: missense variant.
Genome position (GRCh38, 1-based): chr4:112,430,754, G>C. VCF-style: chr4-112430754-G-C. GRCh37 (hg19) VCF-style: chr4-113351910-G-C.
Other names: c.1207G>C, p.Ala403Pro (NM_001102406.2); c.973G>C, p.Ala325Pro (NM_001253884.2); short protein forms A403P, A325P.
Identifiers: ClinVar variation 4692660 (VCV004692660.1).